The following is an entry in ClinVar:

ClinVar aggregate classification (germline): Uncertain significance (1 of 4 stars; one submission).

Conditions:
Glycine encephalopathy. Also called: Non-ketotic hyperglycinemia; Nonketotic hyperglycinemia. Identifiers: Orphanet 407, MedGen C0751748, MONDO:0011612, HP:0008288.

Allele frequency attached by ClinVar (database versions not stated): gnomAD 0.00001; gnomAD exomes 0.00001; TOPMed 0.00001; ExAC 0.00002; ESP Exome Variant Server 0.00008.
gnomAD v4.1: 22 of 1,613,000 alleles (0.0014%); highest among the groups gnomAD compares: Non-Finnish European, 0.0016%; no homozygotes.

Submission:

Labcorp Genetics (formerly Invitae), Labcorp
Classification: Uncertain significance for Glycine encephalopathy. Last evaluated: 2022-02-08. Review status: criteria provided, single submitter. Criteria: Invitae Variant Classification Sherloc (09022015). Collection method: clinical testing. Allele origin: germline.
Comment: This sequence change replaces isoleucine, which is neutral and non-polar, with phenylalanine, which is neutral and non-polar, at codon 986 of the GLDC protein (p.Ile986Phe). This variant is present in population databases (rs140028660, gnomAD 0.004%). This variant has not been reported in the literature in individuals affected with GLDC-related conditions. Advanced modeling of protein sequence and biophysical properties (such as structural, functional, and spatial information, amino acid conservation, physicochemical variation, residue mobility, and thermodynamic stability) performed at Invitae indicates that this missense variant is not expected to disrupt GLDC protein function. In summary, the available evidence is currently insufficient to determine the role of this variant in disease. Therefore, it has been classified as a Variant of Uncertain Significance.

NM_000170.3(GLDC):c.2956A>T (p.Ile986Phe)

Gene: GLDC (glycine decarboxylase; minus strand). Cytogenetic location: 9p24.1.
Variant type: single nucleotide variant.
Coding change: c.2956A>T on transcript NM_000170.3 (MANE Select); coding-DNA position 2956, A replaced by T.
Protein change: p.Ile986Phe; replaces isoleucine 986 with phenylalanine.
Molecular consequence: missense variant.
Genome position (GRCh38, 1-based): chr9:6,533,124, T>A on the plus strand (A>T on the coding strand, the complement: GLDC is on the minus strand). VCF-style: chr9-6533124-T-A. GRCh37 (hg19) VCF-style: chr9-6533124-T-A.
Other names: short protein forms I986F.
Identifiers: ClinVar variation 2164446 (VCV002164446.1), dbSNP rs140028660, ClinGen allele CA4979989.
Genomic context (GRCh38, chr9:6,533,124, plus strand): 5'-CCATGGGTGGGCAGGTACAAACCAGGTGCTGATCTCCATATATGTCATCAATCCGGGCAA[T>A]CGTTGGCCAGAATTTGTTCTCTGGTTTCACGAAGGGCTGCAAAGGACAAAAGATGGAAAT-3'
Protein context (NP_000161.2, residues 976-996): VKPENKFWPT[Ile986Phe]ARIDDIYGDQ